The following is an entry in ClinVar:

ClinVar aggregate classification (germline): Uncertain significance. Review status: criteria provided, multiple submitters, no conflicts (2 of 4 stars). 2 submissions from 2 submitters: Uncertain significance (2). Last evaluated 2026-03-28.

Allele frequency attached by ClinVar (database versions not stated): ESP Exome Variant Server 0.00054; 1000 Genomes Project 0.00020; gnomAD 0.00046; TOPMed 0.00047; ExAC 0.00048; 1000 Genomes Project 30x 0.00031.
gnomAD v4.1: 973 of 1,614,006 alleles (0.06%); highest among the groups gnomAD compares: Non-Finnish European, 0.072%; no homozygotes.

Submissions (3):

GeneDx
Classification: Uncertain significance. Last evaluated: 2026-03-28. Review status: criteria provided, single submitter. Criteria: GeneDx Variant Classification Process June 2021. Collection method: clinical testing. Allele origin: germline.
Comment: In silico analysis supports a deleterious effect on splicing; In silico analysis suggests that this missense variant does not alter protein structure/function; Has not been previously published as pathogenic or benign in association with a VPS35L-related disorder to our knowledge; This variant is associated with the following publications: (PMID: 24367280)

Ambry Genetics
Classification: Uncertain significance. Last evaluated: 2021-09-14. Review status: criteria provided, single submitter. Criteria: Ambry Variant Classification Scheme 2023. Collection method: clinical testing. Allele origin: germline.

Dr. Peter K. Rogan Lab, Western University
No classification provided (evidence only). Condition: Clear cell carcinoma of kidney. Review status: no classification provided. Collection method: in vitro. Allele origin: not applicable. Functional consequence: retained intron. Not counted in ClinVar's aggregate classification.

NM_020314.7(VPS35L):c.1307G>A (p.Arg436Gln)

Gene: VPS35L (VPS35 endosomal protein sorting factor like; plus strand). Cytogenetic location: 16p12.3.
Variant type: single nucleotide variant.
Coding change: c.1307G>A on transcript NM_020314.7 (MANE Select); coding-DNA position 1307, G replaced by A.
Protein change: p.Arg436Gln; replaces arginine 436 with glutamine.
Molecular consequence: missense variant. On other transcripts: non-coding transcript variant (2).
Genome position (GRCh38, 1-based): chr16:19,627,729, G>A. VCF-style: chr16-19627729-G-A. GRCh37 (hg19) VCF-style: chr16-19639051-G-A.
Other names: NC_000016.9:g.19639051G>A; c.1106G>A, p.Arg369Gln (NM_001300743.3, NM_001365294.2); c.1307G>A, p.Arg436Gln (NM_001365293.2); c.419G>A, p.Arg140Gln (NM_001365295.2); short protein forms R369Q, R140Q, R436Q.
Identifiers: ClinVar variation 3188916 (VCV003188916.3), dbSNP rs143145061, ClinGen allele CA7936511.